The following is an entry in ClinVar:

ClinVar aggregate classification (germline): Uncertain significance (1 of 4 stars; one submission).

Submission:

Ambry Genetics
Classification: Uncertain significance. Last evaluated: 2026-08-25. Review status: criteria provided, single submitter. Criteria: Ambry Variant Classification Scheme 2023. Collection method: clinical testing. Allele origin: germline.
Comment: The p.P421T variant (also known as c.1261C>A), located in coding exon 11 of the GEN1 gene, results from a C to A substitution at nucleotide position 1261. The proline at codon 421 is replaced by threonine, an amino acid with highly similar properties. This amino acid position is conserved. In addition, this alteration is predicted to be tolerated by in silico analysis. Based on the available evidence, the clinical significance of this variant remains unclear.

NM_001130009.3(GEN1):c.1261C>A (p.Pro421Thr)

Gene: GEN1 (GEN1 structure-specific endonuclease; plus strand). Cytogenetic location: 2p24.2.
Variant type: single nucleotide variant.
Coding change: c.1261C>A on transcript NM_001130009.3 (MANE Select); coding-DNA position 1261, C replaced by A.
Protein change: p.Pro421Thr; replaces proline 421 with threonine.
Molecular consequence: missense variant.
Genome position (GRCh38, 1-based): chr2:17,778,060, C>A. VCF-style: chr2-17778060-C-A. GRCh37 (hg19) VCF-style: chr2-17959327-C-A.
Other names: c.1261C>A, p.Pro421Thr (NM_182625.5); short protein forms P421T.
Identifiers: ClinVar variation 5022343 (VCV005022343.1).
Genomic context (GRCh38, chr2:17,778,060, plus strand): 5'-AGAATTGTTAAGACTCGAATCAGAAATGGAGTTCATTGTTTTGAAATAGAATGGGAAAAG[C>A]CTGGTATGTATTCACTTTAAGCAAAATATTCCATTTATAATATTTGACCATGTATGTCTA-3'
Protein context (NP_001123481.3, residues 411-431): VHCFEIEWEK[Pro421Thr]EHYAMEDKQH